The following is an entry in ClinVar:

ClinVar aggregate classification (germline): Uncertain significance (1 of 4 stars; one submission).

Conditions:
Primary ciliary dyskinesia. Also called: Ciliary dyskinesia. Identifiers: Orphanet 244, MedGen C0008780, MONDO:0016575, HP:0012265.

Submission:

Labcorp Genetics (formerly Invitae), Labcorp
Classification: Uncertain significance for Primary ciliary dyskinesia. Last evaluated: 2025-09-29. Review status: criteria provided, single submitter. Criteria: Invitae Variant Classification Sherloc (09022015). Collection method: clinical testing. Allele origin: germline.
Comment: This sequence change replaces isoleucine, which is neutral and non-polar, with valine, which is neutral and non-polar, at codon 780 of the RPGR protein (p.Ile780Val). This variant is not present in population databases (gnomAD no frequency). This variant has not been reported in the literature in individuals affected with RPGR-related conditions. Invitae Evidence Modeling of protein sequence and biophysical properties (such as structural, functional, and spatial information, amino acid conservation, physicochemical variation, residue mobility, and thermodynamic stability) indicates that this missense variant is not expected to disrupt RPGR protein function with a negative predictive value of 95%. In summary, the available evidence is currently insufficient to determine the role of this variant in disease. Therefore, it has been classified as a Variant of Uncertain Significance.

NC_000023.11:g.38269736T>C

Gene: RPGR (retinitis pigmentosa GTPase regulator; minus strand). Cytogenetic location: Xp11.4.
Variant type: single nucleotide variant.
Molecular consequence: missense variant (on NM_000328.3). On other transcripts: non-coding transcript variant (6).
Genome position: GRCh38 VCF-style: chrX-38269736-T-C. GRCh37 (hg19) VCF-style: chrX-38128989-T-C.
Other names: c.2338A>G, p.Ile780Val (NM_000328.3); c.2335A>G, p.Ile779Val (NM_001367245.1); c.2152A>G, p.Ile718Val (NM_001367246.1); c.2005A>G, p.Ile669Val (NM_001367247.1); c.2035A>G, p.Ile679Val (NM_001367248.1); c.2002A>G, p.Ile668Val (NM_001367249.1, NM_001367250.1); c.1819A>G, p.Ile607Val (NM_001367251.1); short protein forms I607V, I668V, I669V, I679V, I718V, I779V, I780V.
Identifiers: ClinVar variation 4800998 (VCV004800998.1).
Genomic context (GRCh38, chrX:38,269,736, plus strand): 5'-TATTCTGATGATTCTGACTCATGTGGTTCTGGTCGGCATCTTTATTATCACTTTTTAAAA[T>C]GATCTGGTCTCCTATGGATTTTATCTCTGGGAGCGGCTCATTGTTATTCTTGACAATCTT-3'